The following is an entry in ClinVar:

NM_001190274.2(FBXO11):c.2392AAC[1] (p.Asn799del)

Genes: FBXO11 (F-box protein 11; minus strand), MSH6 (mutS homolog 6; plus strand). Cytogenetic location: 2p16.3.
Variant type: Microsatellite.
Coding change: c.2392AAC[1] on transcript NM_001190274.2 (MANE Select); one copy of the 3-base unit AAC starting at c.2392; the reference has two copies in a row; one copy, 3 bases deleted; also written c.2395_2397del.
Protein change: p.Asn799del; deletes asparagine 799.
Molecular consequence: inframe deletion.
Genome position (GRCh38, 1-based): chr2:47,809,649-47,809,651, GTT deleted on the plus strand (AAC on the coding strand, the reverse complement: FBXO11 is on the minus strand); deleting any 3 consecutive bases within chr2:47,809,649-47,809,654 gives the same sequence; the position shown is the placement nearest the transcript's 3' end. VCF-style (leftmost placement, unchanged base first): chr2-47809648-GGTT-G. GRCh37 (hg19) VCF-style: chr2-48036787-GGTT-G.
Other names: c.2395_2397del (NM_001190274.2, NM_001190274.1); c.2140AAC[1], p.Asn715del (NM_001374325.1, NM_025133.4); short protein forms N715del, N799del.
Identifiers: ClinVar variation 1329975 (VCV001329975.5), dbSNP rs2104626104, ClinGen allele CA2580611630.

ClinVar aggregate classification (germline): Pathogenic/Likely pathogenic. Review status: criteria provided, multiple submitters, no conflicts (2 of 4 stars). 3 submissions from 3 submitters: Pathogenic (2); Likely pathogenic (1). Last evaluated 2025-11-29.

Conditions:
Intellectual developmental disorder with dysmorphic facies and behavioral abnormalities. Identifiers: MedGen C4748135, MONDO:0060760, OMIM 618089.

Submissions (3):

GeneDx
Classification: Pathogenic. Last evaluated: 2025-11-29. Review status: criteria provided, single submitter. Criteria: GeneDx Variant Classification Process June 2021. Collection method: clinical testing. Allele origin: germline.
Comment: In-frame deletion of 1 amino acid(s) in a non-repeat region; In silico analysis supports a deleterious effect on protein structure/function; Not observed at significant frequency in large population cohorts (gnomAD); This variant is associated with the following publications: (PMID: 30679813)

Dasa
Classification: Likely pathogenic for Intellectual developmental disorder with dysmorphic facies and behavioral abnormalities. Last evaluated: 2024-12-10. Review status: criteria provided, single submitter. Criteria: DASA Assertion Criteria. Collection method: clinical testing. Allele origin: germline.
Comment: NM_001190274.2(FBXO11):c.2395_2397del (p.Asn799del) is an in-frame deletion predicted to remove asparagine at protein position 799 without shifting the reading frame. This variant has been reported in individuals with FBXO11-related disorders (PMID: 30679813). This variant has been reported as a de novo occurrence in an affected individual (PMID: 30679813). Also, this variant is absent from population databases. Based on the currently available evidence, this variant is classified as likely pathogenic.

Institute of Human Genetics, University of Leipzig Medical Center
Classification: Pathogenic for Intellectual developmental disorder with dysmorphic facies and behavioral abnormalities. Last evaluated: 2021-12-21. Review status: criteria provided, single submitter. Criteria: ACMG Guidelines, 2015. Collection method: research. Allele origin: de novo. Affected: yes.

Literature cited by the submitters: PubMed 30679813 (cited by Dasa and Institute of Human Genetics, University of Leipzig Medical Center).